The following is an entry in ClinVar:

ClinVar aggregate classification (germline): Uncertain significance (1 of 4 stars; one submission).

Conditions:
Epileptic encephalopathy. Identifiers: MedGen C0543888, HP:0200134.

Allele frequency attached by ClinVar (database versions not stated): TOPMed below 0.00001; ExAC 0.00017.

Submission:

Labcorp Genetics (formerly Invitae), Labcorp
Classification: Uncertain significance for Epileptic encephalopathy. Last evaluated: 2019-12-08. Review status: criteria provided, single submitter. Criteria: Invitae Variant Classification Sherloc (09022015). Collection method: clinical testing. Allele origin: germline.
Comment: The frequency data for this variant in the population databases is considered unreliable, as metrics indicate poor data quality at this position in the ExAC database. This variant has not been reported in the literature in individuals with RYR3-related conditions. Algorithms developed to predict the effect of missense changes on protein structure and function output the following: SIFT: "Tolerated"; PolyPhen-2: "Benign"; Align-GVGD: "Class C0". The lysine amino acid residue is found in multiple mammalian species, suggesting that this missense change does not adversely affect protein function. These predictions have not been confirmed by published functional studies and their clinical significance is uncertain. In summary, the available evidence is currently insufficient to determine the role of this variant in disease. Therefore, it has been classified as a Variant of Uncertain Significance. This sequence change replaces arginine with lysine at codon 3212 of the RYR3 protein (p.Arg3212Lys). The arginine residue is moderately conserved and there is a small physicochemical difference between arginine and lysine.

NM_001036.6(RYR3):c.9635G>A (p.Arg3212Lys)

Gene: RYR3 (ryanodine receptor 3; plus strand). Cytogenetic location: 15q14.
Variant type: single nucleotide variant.
Coding change: c.9635G>A on transcript NM_001036.6 (MANE Select); coding-DNA position 9635, G replaced by A.
Protein change: p.Arg3212Lys; replaces arginine 3212 with lysine.
Molecular consequence: missense variant.
Genome position (GRCh38, 1-based): chr15:33,788,263, G>A. VCF-style: chr15-33788263-G-A. GRCh37 (hg19) VCF-style: chr15-34080464-G-A.
Other names: c.9635G>A, p.Arg3212Lys (NM_001243996.4); short protein forms R3212K.
Identifiers: ClinVar variation 859604 (VCV000859604.9), dbSNP rs769503316, ClinGen allele CA7460578.